The following is an entry in ClinVar:

ClinVar aggregate classification (germline): Uncertain significance. Review status: criteria provided, multiple submitters, no conflicts (2 of 4 stars). 2 submissions from 2 submitters: Uncertain significance (2). Last evaluated 2026-05-27.

Conditions:
CAVIN4-related disorder. Also called: CAVIN4-related condition.

Submissions (2):

PreventionGenetics, part of Exact Sciences
Classification: Uncertain significance for CAVIN4-related condition. Last evaluated: 2026-05-27. Review status: criteria provided, single submitter. Criteria: ACMG Guidelines, 2015. Collection method: clinical testing. Allele origin: germline.
Comment: The CAVIN4 c.317G>A variant is predicted to result in the amino acid substitution p.Arg106Gln. To our knowledge, this variant has not been reported in the literature. This variant is reported in 0.0055% of alleles in individuals of European (Non-Finnish) descent in gnomAD. At this time, the clinical significance of this variant is uncertain due to the absence of conclusive functional and genetic evidence.

Ambry Genetics
Classification: Uncertain significance. Last evaluated: 2024-12-14. Review status: criteria provided, single submitter. Criteria: Ambry Variant Classification Scheme 2023. Collection method: clinical testing. Allele origin: germline.

NM_001018116.2(CAVIN4):c.317G>A (p.Arg106Gln)

Gene: CAVIN4 (caveolae associated protein 4; plus strand). Cytogenetic location: 9q31.1.
Variant type: single nucleotide variant.
Coding change: c.317G>A on transcript NM_001018116.2 (MANE Select); coding-DNA position 317, G replaced by A.
Protein change: p.Arg106Gln; replaces arginine 106 with glutamine.
Molecular consequence: missense variant.
Genome position (GRCh38, 1-based): chr9:100,578,460, G>A. VCF-style: chr9-100578460-G-A. GRCh37 (hg19) VCF-style: chr9-103340742-G-A.
Other names: short protein forms R106Q.
Identifiers: ClinVar variation 3827758 (VCV003827758.2).